The following is an entry in ClinVar:

NM_004186.5(SEMA3F):c.429C>T (p.Thr143=)

Gene: SEMA3F (semaphorin 3F; plus strand). Cytogenetic location: 3p21.31.
Variant type: single nucleotide variant.
Coding change: c.429C>T on transcript NM_004186.5 (MANE Select); coding-DNA position 429, C replaced by T.
Protein change: p.Thr143=; no amino-acid change (threonine 143 retained).
Molecular consequence: synonymous variant.
Genome position (GRCh38, 1-based): chr3:50,174,323, C>T. VCF-style: chr3-50174323-C-T. GRCh37 (hg19) VCF-style: chr3-50211756-C-T.
Other names: c.225C>T, p.Thr75= (NM_001318798.2); c.429C>T, p.Thr143= (NM_001318800.2).
Identifiers: ClinVar variation 3357618 (VCV003357618.1).
Genomic context (GRCh38, chr3:50,174,323, plus strand): 5'-GCCCTGGAACCGAACACACCTGTATGTGTGCGGGACAGGTGCCTACAACCCCATGTGCAC[C>T]TATGTGAACCGCGGACGCCGCGCCCAGGTAAGCCCCAGCCACCCTGGCCCTGTGCTGCCC-3'
Protein context (NP_004177.3, residues 133-153): CGTGAYNPMC[Thr143=]YVNRGRRAQA

ClinVar aggregate classification (germline): Likely benign (0 of 4 stars; one submission).

Conditions:
SEMA3F-related disorder. Also called: SEMA3F-related condition.

gnomAD v4.1: 1 of 1,612,828 alleles (0.000062%); highest among the groups gnomAD compares: Non-Finnish European, 0.000085%; no homozygotes.

Submission:

PreventionGenetics, part of Exact Sciences
Classification: Likely benign for SEMA3F-related condition. Last evaluated: 2021-06-28. Review status: no assertion criteria provided. Collection method: clinical testing. Allele origin: germline.
Comment: This variant is classified as likely benign based on ACMG/AMP sequence variant interpretation guidelines (Richards et al. 2015 PMID: 25741868, with internal and published modifications).